The following is an entry in ClinVar:

ClinVar aggregate classification (germline): Benign/Likely benign. Review status: criteria provided, multiple submitters, no conflicts (2 of 4 stars). 6 submissions from 6 submitters: Benign (1); Likely benign (5). Last evaluated 2025-11-03.

Conditions:
Hereditary cancer-predisposing syndrome. Also called: Hereditary Cancer Syndrome; Hereditary neoplastic syndrome; Neoplastic Syndromes, Hereditary; Tumor predisposition. Identifiers: Orphanet 140162, MedGen C0027672, MeSH D009386, MONDO:0015356.
Familial adenomatous polyposis 1 (FAP1). Also called: FAMILIAL ADENOMATOUS POLYPOSIS 1, ATTENUATED; POLYPOSIS, ADENOMATOUS INTESTINAL. Identifiers: MedGen C2713442, MONDO:0021056, OMIM 175100. Disease mechanism: loss of function.

Allele frequency attached by ClinVar (database versions not stated): gnomAD exomes 0.00001 and 0.00002; TOPMed 0.00002; ExAC 0.00003; gnomAD 0.00003.
gnomAD v4.1: 7 of 1,614,000 alleles (0.00043%); highest among the groups gnomAD compares: East Asian, 0.016%; no homozygotes.

Submissions (6):

Labcorp Genetics (formerly Invitae), Labcorp
Classification: Likely benign for Familial adenomatous polyposis 1. Last evaluated: 2025-11-03. Review status: criteria provided, single submitter. Criteria: Invitae Variant Classification Sherloc (09022015). Collection method: clinical testing. Allele origin: germline.

Myriad Genetics, Inc.
Classification: Benign for Familial adenomatous polyposis 1. Last evaluated: 2024-04-09. Review status: criteria provided, single submitter. Criteria: Myriad Autosomal Dominant, Autosomal Recessive and X-Linked Classification Criteria (2023). Collection method: clinical testing. Allele origin: unknown.
Comment: This variant is considered benign. This variant is a silent/synonymous amino acid change and it is not expected to impact splicing.

Women's Health and Genetics/Laboratory Corporation of America, LabCorp
Classification: Likely benign. Last evaluated: 2022-12-11. Review status: criteria provided, single submitter. Criteria: LabCorp Variant Classification Summary - May 2015. Collection method: clinical testing. Allele origin: germline.

GeneDx
Classification: Likely benign. Last evaluated: 2017-12-28. Review status: criteria provided, single submitter. Criteria: GeneDx Variant Classification (06012015). Collection method: clinical testing. Allele origin: germline. Affected: yes.
Comment: This variant is considered likely benign or benign based on one or more of the following criteria: it is a conservative change, it occurs at a poorly conserved position in the protein, it is predicted to be benign by multiple in silico algorithms, and/or has population frequency not consistent with disease.

Color Diagnostics, LLC DBA Color Health
Classification: Likely benign for Hereditary cancer-predisposing syndrome. Last evaluated: 2017-07-21. Review status: criteria provided, single submitter. Criteria: ACMG Guidelines, 2015. Collection method: clinical testing. Allele origin: germline.

Ambry Genetics
Classification: Likely benign for Hereditary cancer-predisposing syndrome. Last evaluated: 2016-10-20. Review status: criteria provided, single submitter. Criteria: Ambry Variant Classification Scheme 2023. Collection method: clinical testing. Allele origin: germline.

NM_000038.6(APC):c.7146A>T (p.Thr2382=)

Gene: APC (APC regulator of Wnt signaling pathway; plus strand). Cytogenetic location: 5q22.2.
Variant type: single nucleotide variant.
Coding change: c.7146A>T on transcript NM_000038.6 (MANE Select); coding-DNA position 7146, A replaced by T.
Protein change: p.Thr2382=; no amino-acid change (threonine 2382 retained).
Molecular consequence: synonymous variant.
Genome position (GRCh38, 1-based): chr5:112,842,740, A>T. VCF-style: chr5-112842740-A-T. GRCh37 (hg19) VCF-style: chr5-112178437-A-T.
Other names: c.7146A>T, p.Thr2382= (NM_001127510.3, NM_001354895.2); c.7092A>T, p.Thr2364= (NM_001127511.3); c.7200A>T, p.Thr2400= (NM_001354896.2); c.7176A>T, p.Thr2392= (NM_001354897.2); c.7071A>T, p.Thr2357= (NM_001354898.2); c.7062A>T, p.Thr2354= (NM_001354899.2); c.7023A>T, p.Thr2341= (NM_001354900.2); c.6969A>T, p.Thr2323= (NM_001354901.2); and 5 more.
Identifiers: ClinVar variation 390267 (VCV000390267.19), dbSNP rs780566379, ClinGen allele CA047080.